The following is an entry in ClinVar:

NM_152594.3(SPRED1):c.698C>A (p.Ser233Ter)

Gene: SPRED1 (sprouty related EVH1 domain containing 1; plus strand). Cytogenetic location: 15q14.
Variant type: single nucleotide variant.
Coding change: c.698C>A on transcript NM_152594.3 (MANE Select); coding-DNA position 698, C replaced by A.
Protein change: p.Ser233Ter; replaces serine 233 with a stop codon.
Molecular consequence: nonsense.
Genome position (GRCh38, 1-based): chr15:38,351,027, C>A. VCF-style: chr15-38351027-C-A. GRCh37 (hg19) VCF-style: chr15-38643228-C-A.
Other names: short protein forms S233*.
Identifiers: ClinVar variation 4730551 (VCV004730551.1).

ClinVar aggregate classification (germline): Pathogenic (1 of 4 stars; one submission).

Conditions:
Legius syndrome. Identifiers: Orphanet 137605, MedGen C1969623, MONDO:0012669, OMIM 611431. Disease mechanism: loss of function.

gnomAD v4.1: 1 of 1,613,252 alleles (0.000062%); highest among the groups gnomAD compares: Non-Finnish European, 0.000085%; no homozygotes.

Submission:

Labcorp Genetics (formerly Invitae), Labcorp
Classification: Pathogenic for Legius syndrome. Last evaluated: 2025-11-18. Review status: criteria provided, single submitter. Criteria: Invitae Variant Classification Sherloc (09022015). Collection method: clinical testing. Allele origin: germline.
Comment: This sequence change creates a premature translational stop signal (p.Ser233*) in the SPRED1 gene. While this is not anticipated to result in nonsense mediated decay, it is expected to disrupt the last 212 amino acid(s) of the SPRED1 protein. This variant is not present in population databases (gnomAD no frequency). This variant has not been reported in the literature in individuals affected with SPRED1-related conditions. This variant disrupts a region of the SPRED1 protein in which other variant(s) (p.Cys418Alafs*6) have been determined to be pathogenic (PMID: 19920235). This suggests that this is a clinically significant region of the protein, and that variants that disrupt it are likely to be disease-causing. For these reasons, this variant has been classified as Pathogenic.

Literature cited by the submitters: PubMed 19920235.